The following is an entry in ClinVar:

NM_000368.5(TSC1):c.1355G>T (p.Gly452Val)

Gene: TSC1 (TSC complex subunit 1; minus strand). Cytogenetic location: 9q34.13.
Variant type: single nucleotide variant.
Coding change: c.1355G>T on transcript NM_000368.5 (MANE Select); coding-DNA position 1355, G replaced by T.
Protein change: p.Gly452Val; replaces glycine 452 with valine.
Molecular consequence: missense variant. On other transcripts: non-coding transcript variant (5).
Genome position (GRCh38, 1-based): chr9:132,906,814, C>A on the plus strand (G>T on the coding strand, the complement: TSC1 is on the minus strand). VCF-style: chr9-132906814-C-A. GRCh37 (hg19) VCF-style: chr9-135782201-C-A.
Other names: c.1352G>T, p.Gly451Val (NM_001406603.1, NM_001406604.1, NM_001406609.1 and 6 more transcripts); c.1355G>T, p.Gly452Val (NM_001406605.1, NM_001406606.1, NM_001406607.1 and 7 more transcripts); c.1202G>T, p.Gly401Val (NM_001162427.2, NM_001406610.1); c.992G>T, p.Gly331Val (NM_001362177.2, NM_001406614.1, NM_001406615.1 and 5 more transcripts); c.1199G>T, p.Gly400Val (NM_001406611.1, NM_001406612.1, NM_001406613.1); c.989G>T, p.Gly330Val (NM_001406620.1, NM_001406621.1, NM_001406622.1 and 2 more transcripts); c.404G>T, p.Gly135Val (NM_001406626.1); c.401G>T, p.Gly134Val (NM_001406627.1, NM_001406628.1); and 1 more; short protein forms G101V, G331V, G400V, G451V, G330V, G134V, G135V, G401V.
Identifiers: ClinVar variation 2562873 (VCV002562873.2), dbSNP rs371093730, ClinGen allele CA375366016.

ClinVar aggregate classification (germline): Uncertain significance (1 of 4 stars; one submission).

Conditions:
Hereditary cancer-predisposing syndrome. Also called: Neoplastic Syndromes, Hereditary; Hereditary Cancer Syndrome; Hereditary neoplastic syndrome; Tumor predisposition. Identifiers: Orphanet 140162, MedGen C0027672, MeSH D009386, MONDO:0015356.

Submission:

Ambry Genetics
Classification: Uncertain significance for Hereditary cancer-predisposing syndrome. Last evaluated: 2023-04-18. Review status: criteria provided, single submitter. Criteria: Ambry Variant Classification Scheme 2023. Collection method: clinical testing. Allele origin: germline.
Comment: The p.G452V variant (also known as c.1355G>T), located in coding exon 12 of the TSC1 gene, results from a G to T substitution at nucleotide position 1355. The glycine at codon 452 is replaced by valine, an amino acid with dissimilar properties. This amino acid position is conserved. In addition, the in silico prediction for this alteration is inconclusive. Since supporting evidence is limited at this time, the clinical significance of this alteration remains unclear.